The following is an entry in ClinVar:

ClinVar aggregate classification (germline): Uncertain significance (1 of 4 stars; one submission).

Allele frequency attached by ClinVar (database versions not stated): gnomAD exomes below 0.00001.
gnomAD v4.1: 4 of 1,555,756 alleles (0.00026%); highest among the groups gnomAD compares: Non-Finnish European, 0.00026%; no homozygotes.

Submission:

GeneDx
Classification: Uncertain significance. Last evaluated: 2022-05-09. Review status: criteria provided, single submitter. Criteria: GeneDx Variant Classification Process June 2021. Collection method: clinical testing. Allele origin: germline. Affected: yes.
Comment: Not observed at significant frequency in large population cohorts (gnomAD); In silico analysis supports that this missense variant does not alter protein structure/function; Has not been previously published as pathogenic or benign to our knowledge

NM_001009944.3(PKD1):c.1634T>A (p.Leu545His)

Gene: PKD1 (polycystin 1, transient receptor potential channel interacting; minus strand). Cytogenetic location: 16p13.3.
Variant type: single nucleotide variant.
Coding change: c.1634T>A on transcript NM_001009944.3 (MANE Select); coding-DNA position 1634, T replaced by A.
Protein change: p.Leu545His; replaces leucine 545 with histidine.
Molecular consequence: missense variant.
Genome position (GRCh38, 1-based): chr16:2,116,617, A>T on the plus strand (T>A on the coding strand, the complement: PKD1 is on the minus strand). VCF-style: chr16-2116617-A-T. GRCh37 (hg19) VCF-style: chr16-2166618-A-T.
Other names: c.1634T>A, p.Leu545His (NM_000296.4); short protein forms L545H.
Identifiers: ClinVar variation 1723658 (VCV001723658.2), dbSNP rs2092641277, ClinGen allele CA394391556.